The following is an entry in ClinVar:

NM_000138.5(FBN1):c.6140C>T (p.Ser2047Phe)

Gene: FBN1 (fibrillin 1; minus strand). Cytogenetic location: 15q21.1.
Variant type: single nucleotide variant.
Coding change: c.6140C>T on transcript NM_000138.5 (MANE Select); coding-DNA position 6140, C replaced by T.
Protein change: p.Ser2047Phe; replaces serine 2047 with phenylalanine.
Molecular consequence: missense variant.
Genome position (GRCh38, 1-based): chr15:48,441,744, G>A on the plus strand (C>T on the coding strand, the complement: FBN1 is on the minus strand). VCF-style: chr15-48441744-G-A. GRCh37 (hg19) VCF-style: chr15-48733941-G-A.
Other names: short protein forms S2047F.
Identifiers: ClinVar variation 406305 (VCV000406305.9), dbSNP rs1060501046, ClinGen allele CA16614801.

ClinVar aggregate classification (germline): Uncertain significance. Review status: criteria provided, multiple submitters, no conflicts (2 of 4 stars). 2 submissions from 2 submitters: Uncertain significance (2). Last evaluated 2017-04-12.

Conditions:
Marfan syndrome (MFS). Also called: Marfan syndrome, classic; Marfan syndrome type 1; Marfan's syndrome; MARFAN SYNDROME, TYPE I; FBN1-Related Marfan Syndrome. Identifiers: Orphanet 284963, Orphanet 558, MedGen C0024796, MONDO:0007947, OMIM 154700.
Familial thoracic aortic aneurysm and aortic dissection (TAAD). Also called: Thoracic aortic aneurysms and dissections. Identifiers: Orphanet 91387, MedGen C4707243, MONDO:0019625.

Allele frequency attached by ClinVar (database versions not stated): gnomAD exomes below 0.00001.
gnomAD v4.1: 2 of 1,613,642 alleles (0.00012%); highest among the groups gnomAD compares: Non-Finnish European, 0.00017%; no homozygotes.

Submissions (2):

GeneDx
Classification: Uncertain significance. Last evaluated: 2017-04-12. Review status: criteria provided, single submitter. Criteria: GeneDx Variant Classification (06012015). Collection method: clinical testing. Allele origin: germline. Affected: yes.
Comment: A variant of uncertain significance has been identified in the FBN1 gene. The S2047F variant has not been published as pathogenic or been reported as benign to our knowledge. This variant is not observed in large population cohorts (Lek et al., 2016; 1000 Genomes Consortium et al., 2015; Exome Variant Server). The S2047F variant is a non-conservative amino acid substitution, which is likely to impact secondary protein structure as these residues differ in polarity, charge, size and/or other properties. This substitution occurs at a position that is conserved across species and in silico analysis predicts this variant is probably damaging to the protein structure/function. However, while the S2047F variant is located within a calcium-binding EGF-like domain of the FBN1 gene, it does not affect a Cysteine residue in this domain. Cysteine substitutions in the calcium-binding EGF-like domains represent the majority of pathogenic missense changes associated with Marfan syndrome (Collod-Beroud et al., 2003).

Labcorp Genetics (formerly Invitae), Labcorp
Classification: Uncertain significance for Marfan syndrome; Familial thoracic aortic aneurysm and aortic dissection. Last evaluated: 2017-02-15. Review status: criteria provided, single submitter. Criteria: Invitae Variant Classification Sherloc (09022015). Collection method: clinical testing. Allele origin: germline.
Comment: This sequence change replaces serine with phenylalanine at codon 2047 of the FBN1 protein (p.Ser2047Phe). The serine residue is highly conserved and there is a large physicochemical difference between serine and phenylalanine. In summary, this variant is a novel missense change with uncertain impact on protein function. It has been classified as a Variant of Uncertain Significance. Algorithms developed to predict the effect of missense changes on protein structure and function do not agree on the potential impact of this missense change (SIFT: "Deleterious"; PolyPhen-2: "Probably Damaging"; Align-GVGD: "Class C15"). This variant is not present in population databases (ExAC no frequency) and has not been reported in the literature in individuals with a FBN1-related disease.